The following is an entry in ClinVar:

NM_000548.5(TSC2):c.2574del (p.Asn859fs)

Gene: TSC2 (TSC complex subunit 2; plus strand). Cytogenetic location: 16p13.3.
Variant type: Deletion.
Coding change: c.2574del on transcript NM_000548.5 (MANE Select); coding-DNA position 2574, one base deleted (G; older notation c.2574delG).
Protein change: p.Asn859fs; shifts the reading frame from asparagine 859.
Molecular consequence: frameshift variant.
Genome position (GRCh38, 1-based): chr16:2,075,827, G deleted; the last of 2 consecutive G bases (chr16:2,075,826-2,075,827); deleting either gives the same sequence. VCF-style (leftmost placement, unchanged base first): chr16-2075825-AG-A. GRCh37 (hg19) VCF-style: chr16-2125826-AG-A.
Other names: c.2574del, p.Asn859fs (NM_001077183.3, NM_001114382.3, NM_001363528.2 and 3 more transcripts); c.2463del, p.Asn822fs (NM_001318827.2); c.2427del, p.Asn810fs (NM_001318829.2); c.1974del, p.Asn659fs (NM_001318831.2); c.2607del, p.Asn870fs (NM_001318832.2); c.2574delG, p.Asn859Thrfs (NM_001406663.1, NM_001406664.1, NM_001406665.1); c.2664delG, p.Asn889Thrfs (NM_001406667.1, NM_001406668.1); c.2463delG, p.Asn822Thrfs (NM_001406670.1, NM_001406678.1); and 7 more; short protein forms N859fs, N870fs, N659fs, N810fs, N822fs.
Identifiers: ClinVar variation 2035338 (VCV002035338.4), dbSNP rs2543886485, ClinGen allele CA2580090851.

ClinVar aggregate classification (germline): Pathogenic (1 of 4 stars; one submission).

Conditions:
Tuberous sclerosis 2 (TSC2). Identifiers: Orphanet 805, MedGen C1860707, MONDO:0013199, OMIM 613254.

Submission:

Labcorp Genetics (formerly Invitae), Labcorp
Classification: Pathogenic for Tuberous sclerosis 2. Last evaluated: 2022-10-13. Review status: criteria provided, single submitter. Criteria: Invitae Variant Classification Sherloc (09022015). Collection method: clinical testing. Allele origin: germline.
Comment: This variant is not present in population databases (gnomAD no frequency). This sequence change creates a premature translational stop signal (p.Asn859Thrfs*35) in the TSC2 gene. It is expected to result in an absent or disrupted protein product. Loss-of-function variants in TSC2 are known to be pathogenic (PMID: 10205261, 17304050). This variant has not been reported in the literature in individuals affected with TSC2-related conditions. For these reasons, this variant has been classified as Pathogenic.

Literature cited by the submitters: PubMed 10205261; PubMed 17304050.